The following is an entry in ClinVar:

ClinVar aggregate classification (germline): Uncertain significance (1 of 4 stars; one submission).

Conditions:
Malignant hyperthermia, susceptibility to, 1 (MHS1). Also called: RYR1-Related Malignant Hyperthermia Susceptibility; Anesthesia related hyperthermia; Malignant hyperpyrexia; Fulminating hyperpyrexia; Pharmacogenic myopathy; Malignant hyperthermia suceptibility 1. Identifiers: Orphanet 423, MedGen C2930980, MONDO:0007783, OMIM 145600.

Allele frequency attached by ClinVar (database versions not stated): ExAC 0.00001.
gnomAD v4.1: 2 of 1,613,802 alleles (0.00012%); highest among the groups gnomAD compares: Admixed American, 0.0033%; no homozygotes.

Submission:

All of Us Research Program, National Institutes of Health
Classification: Uncertain significance for Malignant hyperthermia, susceptibility to, 1. Last evaluated: 2023-04-10. Review status: criteria provided, single submitter. Criteria: ACMG Guidelines, 2015. Collection method: clinical testing. Allele origin: germline. Inheritance: Autosomal dominant inheritance. Observed: 1 variant allele, 1 heterozygote.
Comment: This missense variant replaces proline with alanine at codon 2146 of the RYR1 protein. Computational prediction suggests that this variant may not impact protein structure and function (internally defined REVEL score threshold <= 0.5, PMID: 27666373). To our knowledge, functional studies have not been reported for this variant. This variant has not been reported in individuals affected with RYR1-related disorders in the literature. This variant has been identified in 1/250696 chromosomes in the general population by the Genome Aggregation Database (gnomAD). The available evidence is insufficient to determine the role of this variant in disease conclusively. Therefore, this variant is classified as a Variant of Uncertain Significance.

This study involves interpretation of variants in research participants for the purpose of population health screening. Participant phenotype was not available at the time of variant classification. Additional details can be found in publication PMID: 35346344, PMCID: PMC8962531

NM_000540.3(RYR1):c.6436C>G (p.Pro2146Ala)

Gene: RYR1 (ryanodine receptor 1; plus strand). Cytogenetic location: 19q13.2.
Variant type: single nucleotide variant.
Coding change: c.6436C>G on transcript NM_000540.3 (MANE Select); coding-DNA position 6436, C replaced by G.
Protein change: p.Pro2146Ala; replaces proline 2146 with alanine.
Molecular consequence: missense variant.
Genome position (GRCh38, 1-based): chr19:38,494,513, C>G. VCF-style: chr19-38494513-C-G. GRCh37 (hg19) VCF-style: chr19-38985153-C-G.
Other names: c.6436C>G, p.Pro2146Ala (NM_001042723.2); short protein forms P2146A.
Identifiers: ClinVar variation 3070452 (VCV003070452.1), dbSNP rs778281847, ClinGen allele CA068255.